The following is an entry in ClinVar:

NM_000038.6(APC):c.646-1833G>C

Gene: APC (APC regulator of WNT signaling pathway; plus strand). Cytogenetic location: 5q22.2.
Variant type: single nucleotide variant.
Coding change: c.646-1833G>C on transcript NM_000038.6 (MANE Select); 1833 bases into the intron before coding-DNA position 646, G replaced by C.
Molecular consequence: intron variant.
Genome position (GRCh38, 1-based): chr5:112,790,613, G>C. VCF-style: chr5-112790613-G-C. GRCh37 (hg19) VCF-style: chr5-112126310-G-C.
Other names: c.646-1833G>C (NM_001354895.2, NM_001127510.3, NM_001354896.2 and 1 more transcripts); c.676-1833G>C (NM_001354897.2, NM_001354902.2); c.675+9710G>C (NM_001127511.3); c.571-1833G>C (NM_001354898.2, NM_001354904.2); c.-390-1833G>C (NM_001354906.2); c.645+9710G>C (NM_001354899.2); c.469-1833G>C (NM_001354900.2, NM_001354901.2, NM_001354905.2).
Identifiers: ClinVar variation 82993 (VCV000082993.2), dbSNP rs75205995, ClinGen allele CA011697.

ClinVar aggregate classification (germline): other (0 of 4 stars; one submission).

Conditions:
Familial colorectal cancer. Identifiers: MedGen CN280943, MONDO:0023113. Disease mechanism: loss of function.

Submission:

Systems Biology Platform Zhejiang California International NanoSystems Institute
Classification: other for Familial colorectal cancer. Review status: no assertion criteria provided. Collection method: not provided. Allele origin: unknown.
ClinVar note: Converted during submission from cancer to other.